The following is an entry in ClinVar:

ClinVar aggregate classification (germline): Uncertain significance (1 of 4 stars; one submission).

Conditions:
Muscle AMP deaminase deficiency (MMDD). Also called: ADENOSINE MONOPHOSPHATE DEAMINASE-1 DEFICIENCY, MYOPATHY DUE TO; AMPD1 DEFICIENCY; Myoadenylate deaminase deficiency, myopathy due to; Adenosine monophosphate deaminase 1 deficiency; AMP deaminase 1 deficiency; Adenosine Monophosphate Deaminase 1. Identifiers: Orphanet 45, MedGen C3714933, MONDO:0014220, OMIM 615511.

Allele frequency attached by ClinVar (database versions not stated): TOPMed 0.00001.

Submission:

Labcorp Genetics (formerly Invitae), Labcorp
Classification: Uncertain significance for Muscle AMP deaminase deficiency. Last evaluated: 2022-11-01. Review status: criteria provided, single submitter. Criteria: Invitae Variant Classification Sherloc (09022015). Collection method: clinical testing. Allele origin: germline.
Comment: ClinVar contains an entry for this variant (Variation ID: 1476249). Algorithms developed to predict the effect of missense changes on protein structure and function are either unavailable or do not agree on the potential impact of this missense change (SIFT: "Tolerated"; PolyPhen-2: "Probably Damaging"; Align-GVGD: "Class C0"). In summary, the available evidence is currently insufficient to determine the role of this variant in disease. Therefore, it has been classified as a Variant of Uncertain Significance. This sequence change replaces alanine, which is neutral and non-polar, with valine, which is neutral and non-polar, at codon 54 of the AMPD1 protein (p.Ala54Val). This variant has not been reported in the literature in individuals affected with AMPD1-related conditions. This variant is not present in population databases (gnomAD no frequency).

NM_000036.3(AMPD1):c.62C>T (p.Ala21Val)

Gene: AMPD1 (adenosine monophosphate deaminase 1; minus strand). Cytogenetic location: 1p13.2.
Variant type: single nucleotide variant.
Coding change: c.62C>T on transcript NM_000036.3 (MANE Select); coding-DNA position 62, C replaced by T.
Protein change: p.Ala21Val; replaces alanine 21 with valine.
Molecular consequence: missense variant.
Genome position (GRCh38, 1-based): chr1:114,688,714, G>A on the plus strand (C>T on the coding strand, the complement: AMPD1 is on the minus strand). VCF-style: chr1-114688714-G-A. GRCh37 (hg19) VCF-style: chr1-115231335-G-A.
Other names: c.50C>T, p.Ala17Val (NM_001172626.2); short protein forms A17V, A21V.
Identifiers: ClinVar variation 1476249 (VCV001476249.6), dbSNP rs1570852851, ClinGen allele CA341734032.
Genomic context (GRCh38, chr1:114,688,714, plus strand): 5'-AAGGGGGAAATCTCCTGACGACCTCCTTCATCTTTGACTTCAGAGGCAAACACTTTTTCA[G>A]CAAAGTTGCGCATTGCATCATCAATTTCTAAAAGAGGTTTTCACATATTAGTGTTCAAGC-3'
Protein context (NP_000027.3, residues 11-31): KQIDDAMRNF[Ala21Val]EKVFASEVKD